The following is an entry in ClinVar:

ClinVar aggregate classification (germline): Likely benign. Review status: criteria provided, multiple submitters, no conflicts (2 of 4 stars). 3 submissions from 3 submitters: Likely benign (3). Last evaluated 2026-02-01.

Conditions:
CEP120-related disorder. Also called: CEP120-Related Disorders; CEP120-related condition.
Short-rib thoracic dysplasia 13 with or without polydactyly (SRTD13). Identifiers: Orphanet 474, MedGen C4225378, MONDO:0014577, OMIM 616300.

Allele frequency attached by ClinVar (database versions not stated): 1000 Genomes Project 30x 0.00062; TOPMed 0.00013; gnomAD 0.00015; 1000 Genomes Project 0.00060.
gnomAD v4.1: 127 of 1,610,818 alleles (0.0079%); highest among the groups gnomAD compares: East Asian, 0.16%; 1 homozygote.

Submissions (3):

Labcorp Genetics (formerly Invitae), Labcorp
Classification: Likely benign for Short-rib thoracic dysplasia 13 with or without polydactyly. Last evaluated: 2026-02-01. Review status: criteria provided, single submitter. Criteria: Invitae Variant Classification Sherloc (09022015). Collection method: clinical testing. Allele origin: germline.

PreventionGenetics, part of Exact Sciences
Classification: Likely benign for CEP120-related condition. Last evaluated: 2025-05-11. Review status: criteria provided, single submitter. Criteria: ACMG Guidelines, 2015. Collection method: clinical testing. Allele origin: germline.
Comment: This variant is classified as likely benign based on ACMG/AMP sequence variant interpretation guidelines (Richards et al. 2015 PMID: 25741868, with internal and published modifications).

Blueprint Genetics
Classification: Likely benign. Last evaluated: 2024-11-01. Review status: criteria provided, single submitter. Criteria: ACMG Guidelines, 2015. Collection method: clinical testing. Allele origin: germline.

NM_001375405.1(CEP120):c.402C>T (p.Thr134=)

Gene: CEP120 (centrosomal protein 120; minus strand). Cytogenetic location: 5q23.2.
Variant type: single nucleotide variant.
Coding change: c.402C>T on transcript NM_001375405.1 (MANE Select); coding-DNA position 402, C replaced by T.
Protein change: p.Thr134=; no amino-acid change (threonine 134 retained).
Molecular consequence: synonymous variant. On other transcripts: 5 prime UTR variant (2), non-coding transcript variant (1).
Genome position (GRCh38, 1-based): chr5:123,412,460, G>A on the plus strand (C>T on the coding strand, the complement: CEP120 is on the minus strand). VCF-style: chr5-123412460-G-A. GRCh37 (hg19) VCF-style: chr5-122748154-G-A.
Other names: c.324C>T, p.Thr108= (NM_001166226.2); c.402C>T, p.Thr134= (NM_001375406.1, NM_001375407.1, NM_153223.4); c.-347C>T (NM_001375408.1); c.-289C>T (NM_001375409.1).
Identifiers: ClinVar variation 476167 (VCV000476167.12), dbSNP rs143893793, ClinGen allele CA3387256.